The following is an entry in ClinVar:

NM_000441.2(SLC26A4):c.188G>C (p.Gly63Ala)

Gene: SLC26A4 (solute carrier family 26 member 4; plus strand). Cytogenetic location: 7q22.3.
Variant type: single nucleotide variant.
Coding change: c.188G>C on transcript NM_000441.2 (MANE Select); coding-DNA position 188, G replaced by C.
Protein change: p.Gly63Ala; replaces glycine 63 with alanine.
Molecular consequence: missense variant.
Genome position (GRCh38, 1-based): chr7:107,663,319, G>C. VCF-style: chr7-107663319-G-C. GRCh37 (hg19) VCF-style: chr7-107303764-G-C.
Other names: short protein forms G63A.
Identifiers: ClinVar variation 1209839 (VCV001209839.4), dbSNP rs745546618, ClinGen allele CA4432392.
Genomic context (GRCh38, chr7:107,663,319, plus strand): 5'-ATTGGATTGAAAACCCAGTTTTCTTGCTTTTTGACAGTTGTTCAAGAAAGAGAGCCTTTG[G>C]TGTGCTAAAGACTCTTGTGCCCATCTTGGAGTGGCTCCCCAAATACCGAGTCAAGGAATG-3'
Protein context (NP_000432.1, residues 53-73): CCSCSRKRAF[Gly63Ala]VLKTLVPILE

ClinVar aggregate classification (germline): Uncertain significance. Review status: criteria provided, multiple submitters, no conflicts (2 of 4 stars). 3 submissions from 2 submitters: Uncertain significance (3). Last evaluated 2023-07-09.

Conditions:
Autosomal recessive nonsyndromic hearing loss 4 (DFNB4). Also called: FOXI1-Related Pendred Syndrome; KCNJ10-Related Pendred Syndrome; DEAFNESS, AUTOSOMAL RECESSIVE 4, WITH ENLARGED VESTIBULAR AQUEDUCT, DIGENIC; Nonsyndromic enlarged vestibular aqueduct (NSEVA); Deafness, autosomal recessive 4; NEUROSENSORY NONSYNDROMIC RECESSIVE DEAFNESS 4. Identifiers: Orphanet 90636, MedGen C3538946, MONDO:0010933, OMIM 600791.
Pendred syndrome (PDS). Also called: THYROID DYSHORMONOGENESIS 2B; THYROID HORMONOGENESIS, GENETIC DEFECT IN, 2B; Pendred's syndrome; Pendred Syndrome (PDS); DEAFNESS WITH GOITER; GOITER-DEAFNESS SYNDROME. Identifiers: Orphanet 705, MedGen C0271829, MONDO:0010134, OMIM 274600.

Allele frequency attached by ClinVar (database versions not stated): ExAC 0.00002; gnomAD exomes 0.00002.
gnomAD v4.1: 26 of 1,614,196 alleles (0.0016%); highest among the groups gnomAD compares: Non-Finnish European, 0.0019%; no homozygotes.

Submissions (3):

Labcorp Genetics (formerly Invitae), Labcorp
Classification: Uncertain significance. Last evaluated: 2023-07-09. Review status: criteria provided, single submitter. Criteria: Invitae Variant Classification Sherloc (09022015). Collection method: clinical testing. Allele origin: germline.
Comment: Advanced modeling of protein sequence and biophysical properties (such as structural, functional, and spatial information, amino acid conservation, physicochemical variation, residue mobility, and thermodynamic stability) performed at Invitae indicates that this missense variant is not expected to disrupt SLC26A4 protein function. ClinVar contains an entry for this variant (Variation ID: 1209839). This variant has not been reported in the literature in individuals affected with SLC26A4-related conditions. This variant is present in population databases (rs745546618, gnomAD 0.004%). This sequence change replaces glycine, which is neutral and non-polar, with alanine, which is neutral and non-polar, at codon 63 of the SLC26A4 protein (p.Gly63Ala). In summary, the available evidence is currently insufficient to determine the role of this variant in disease. Therefore, it has been classified as a Variant of Uncertain Significance.

Genome-Nilou Lab
Classification: Uncertain significance for Autosomal recessive nonsyndromic hearing loss 4. Last evaluated: 2021-07-22. Review status: criteria provided, single submitter. Criteria: ACMG Guidelines, 2015. Collection method: clinical testing. Allele origin: germline. Affected: no.

Genome-Nilou Lab
Classification: Uncertain significance for Pendred syndrome. Last evaluated: 2021-07-22. Review status: criteria provided, single submitter. Criteria: ACMG Guidelines, 2015. Collection method: clinical testing. Allele origin: germline. Affected: no.